The following is an entry in ClinVar:

ClinVar aggregate classification (germline): Uncertain significance (1 of 4 stars; one submission).

Conditions:
Early-onset Lafora body disease. Also called: Epilepsy, progressive myoclonic, 10. Identifiers: Orphanet 324290, MedGen C4225258, MONDO:0014717, OMIM 616640.

Allele frequency attached by ClinVar (database versions not stated): ExAC 0.00005.

Submission:

Labcorp Genetics (formerly Invitae), Labcorp
Classification: Uncertain significance for Early-onset Lafora body disease. Last evaluated: 2021-11-11. Review status: criteria provided, single submitter. Criteria: Invitae Variant Classification Sherloc (09022015). Collection method: clinical testing. Allele origin: germline.
Comment: In summary, the available evidence is currently insufficient to determine the role of this variant in disease. Therefore, it has been classified as a Variant of Uncertain Significance. Algorithms developed to predict the effect of missense changes on protein structure and function (SIFT, PolyPhen-2, Align-GVGD) all suggest that this variant is likely to be tolerated. This variant has not been reported in the literature in individuals affected with PRDM8-related conditions. This variant is present in population databases (rs760107518, gnomAD 0.04%). This sequence change replaces proline, which is neutral and non-polar, with threonine, which is neutral and polar, at codon 239 of the PRDM8 protein (p.Pro239Thr).

NM_001099403.2(PRDM8):c.715C>A (p.Pro239Thr)

Gene: PRDM8 (PR/SET domain 8; plus strand). Cytogenetic location: 4q21.21.
Variant type: single nucleotide variant.
Coding change: c.715C>A on transcript NM_001099403.2 (MANE Select); coding-DNA position 715, C replaced by A.
Protein change: p.Pro239Thr; replaces proline 239 with threonine.
Molecular consequence: missense variant.
Genome position (GRCh38, 1-based): chr4:80,202,177, C>A. VCF-style: chr4-80202177-C-A. GRCh37 (hg19) VCF-style: chr4-81123331-C-A.
Other names: c.715C>A, p.Pro239Thr (NM_020226.4); short protein forms P239T.
Identifiers: ClinVar variation 1461869 (VCV001461869.6), dbSNP rs760107518, ClinGen allele CA2982312.